The following is an entry in ClinVar:

NM_024426.6(WT1):c.1381T>C (p.Cys461Arg)

Gene: WT1 (WT1 transcription factor; minus strand). Cytogenetic location: 11p13.
Variant type: single nucleotide variant.
Coding change: c.1381T>C on transcript NM_024426.6 (MANE Select); coding-DNA position 1381, T replaced by C.
Protein change: p.Cys461Arg; replaces cysteine 461 with arginine.
Molecular consequence: missense variant. On other transcripts: non-coding transcript variant (2), intron variant (2).
Genome position (GRCh38, 1-based): chr11:32,392,038, A>G on the plus strand (T>C on the coding strand, the complement: WT1 is on the minus strand). VCF-style: chr11-32392038-A-G. GRCh37 (hg19) VCF-style: chr11-32413584-A-G.
Other names: c.1330T>C, p.Cys444Arg (NM_000378.6, NM_001407045.1); c.730T>C, p.Cys244Arg (NM_001198551.2); c.679T>C, p.Cys227Arg (NM_001198552.2); c.193T>C, p.Cys65Arg (NM_001367854.1); c.1375T>C, p.Cys459Arg (NM_001407044.1); c.1258T>C, p.Cys420Arg (NM_001407047.1); c.1240T>C, p.Cys414Arg (NM_001407048.1); c.1207T>C, p.Cys403Arg (NM_001407050.1); and 6 more; short protein forms C207R, C227R, C244R, C371R, C388R, C403R, C414R, C420R.
Identifiers: ClinVar variation 4854784 (VCV004854784.1).

ClinVar aggregate classification (germline): Likely pathogenic (1 of 4 stars; one submission).

Conditions:
WT1-related disorder. Also called: WT1-related disorders. Identifiers: MedGen CN377814.

Submission:

3billion
Classification: Likely pathogenic for WT1-related disorder. Last evaluated: 2025-07-21. Review status: criteria provided, single submitter. Criteria: ACMG Guidelines, 2015. Collection method: clinical testing. Allele origin: germline. Affected: yes.
Comment: The variant is not observed in the gnomAD v4.1.0 dataset. Predicted Consequence/Location: The variant is located in a mutational hot spot and/or well-established functional domain in which established pathogenic variants have been reported (PMID: 34386660). In silico tool predictions suggest damaging effect of the variant on gene or gene product [REVEL: 0.91 (>=0.6, sensitivity 0.68 and specificity 0.92); 3Cnet: 0.99 (> 0.75, sensitivity 0.96 and precision 0.92)]. The same nucleotide change resulting in the same amino acid change has been previously reported to be associated with WT1-related disorder (PMID: 15253707).Different missense changes at the same codon (p.Cys461Phe, p.Cys461Tyr) have been reported to be associated with WT1-related disorder (PMID: 11182928, 11519891). Therefore, this variant is classified as Likely pathogenic according to the recommendation of ACMG/AMP guideline.

Literature cited by the submitters: PubMed 15253707; PubMed 11182928.